The following is an entry in ClinVar:

ClinVar aggregate classification (germline): Uncertain significance. Review status: criteria provided, multiple submitters, no conflicts (2 of 4 stars). 3 submissions from 3 submitters: Uncertain significance (3). Last evaluated 2023-12-21.

Conditions:
COG5-congenital disorder of glycosylation. Also called: COG5-CDG; CDG IIi; CONGENITAL DISORDER OF GLYCOSYLATION, TYPE IIi. Identifiers: Orphanet 263487, MedGen C3150876, MONDO:0013325, OMIM 613612.

Allele frequency attached by ClinVar (database versions not stated): gnomAD 0.00002 and 0.00003; TOPMed 0.00008.
gnomAD v4.1: 29 of 1,604,044 alleles (0.0018%); highest among the groups gnomAD compares: Admixed American, 0.026%; no homozygotes.

Submissions (3):

Labcorp Genetics (formerly Invitae), Labcorp
Classification: Uncertain significance for COG5-congenital disorder of glycosylation. Last evaluated: 2023-12-21. Review status: criteria provided, single submitter. Criteria: Invitae Variant Classification Sherloc (09022015). Collection method: clinical testing. Allele origin: germline.
Comment: This sequence change replaces arginine, which is basic and polar, with cysteine, which is neutral and slightly polar, at codon 804 of the COG5 protein (p.Arg804Cys). This variant is present in population databases (rs767217808, gnomAD 0.03%). This variant has not been reported in the literature in individuals affected with COG5-related conditions. ClinVar contains an entry for this variant (Variation ID: 908725). An algorithm developed to predict the effect of missense changes on protein structure and function (PolyPhen-2) suggests that this variant is likely to be disruptive. In summary, the available evidence is currently insufficient to determine the role of this variant in disease. Therefore, it has been classified as a Variant of Uncertain Significance.

Revvity Omics, Revvity
Classification: Uncertain significance for COG5-congenital disorder of glycosylation. Last evaluated: 2021-01-15. Review status: criteria provided, single submitter. Criteria: ACMG Guidelines, 2015. Collection method: clinical testing. Allele origin: germline.

Illumina Laboratory Services, Illumina
Classification: Uncertain significance for COG5-congenital disorder of glycosylation. Last evaluated: 2018-01-13. Review status: criteria provided, single submitter. Criteria: ICSL Variant Classification Criteria 13 December 2019. Collection method: clinical testing. Allele origin: germline.

NM_006348.5(COG5):c.2317C>T (p.Arg773Cys)

Gene: COG5 (component of oligomeric golgi complex 5; minus strand). Cytogenetic location: 7q22.3.
Variant type: single nucleotide variant.
Coding change: c.2317C>T on transcript NM_006348.5 (MANE Select); coding-DNA position 2317, C replaced by T.
Protein change: p.Arg773Cys; replaces arginine 773 with cysteine.
Molecular consequence: missense variant. On other transcripts: intron variant (1).
Genome position (GRCh38, 1-based): chr7:107,210,584, G>A on the plus strand (C>T on the coding strand, the complement: COG5 is on the minus strand). VCF-style: chr7-107210584-G-A. GRCh37 (hg19) VCF-style: chr7-106851029-G-A.
Other names: c.2317C>T, p.Arg773Cys (NM_001161520.2); c.2155C>T, p.Arg719Cys (NM_001379511.1); c.2143C>T, p.Arg715Cys (NM_001379512.1); c.2002C>T, p.Arg668Cys (NM_001379514.1); c.1747C>T, p.Arg583Cys (NM_001379515.1); c.1603C>T, p.Arg535Cys (NM_001379516.1); c.2254C>T, p.Arg752Cys (NM_181733.4); c.2169-6954C>T (NM_001379513.1); short protein forms R752C, R773C, R535C, R719C, R583C, R715C, R668C.
Identifiers: ClinVar variation 908725 (VCV000908725.9), dbSNP rs767217808, ClinGen allele CA4430605.